The following is an entry in ClinVar:

ClinVar aggregate classification (germline): Uncertain significance. Review status: criteria provided, single submitter (1 of 4 stars). 2 submissions from 2 submitters: Uncertain significance (1). 1 of the submissions does not count toward it. Last evaluated 2018-05-14.

Conditions:
Primary ciliary dyskinesia. Also called: Ciliary dyskinesia. Identifiers: Orphanet 244, MedGen C0008780, MONDO:0016575, HP:0012265.

Submissions (2):

GeneDx
Classification: Uncertain significance. Last evaluated: 2018-05-14. Review status: criteria provided, single submitter. Criteria: GeneDx Variant Classification (06012015). Collection method: clinical testing. Allele origin: germline. Affected: yes.
Comment: The S3673F variant in the DNAH5 gene has not been reported previously as a pathogenic variant, nor as a benign variant, to our knowledge. The S3673F variant is not observed in large population cohorts (Lek et al., 2016). The S3673F variant is a non-conservative amino acid substitution, which is likely to impact secondary protein structure as these residues differ in polarity, charge, size and/or other properties. In-silico analyses, including protein predictors and evolutionary conservation, support a deleterious effect. We interpret S3673F as a variant of uncertain significance.

Natera, Inc.
Classification: Uncertain significance for Primary ciliary dyskinesia. Last evaluated: 2025-02-13. Review status: no assertion criteria provided. Collection method: clinical testing. Allele origin: germline. Not counted in ClinVar's aggregate classification.

NM_001369.3(DNAH5):c.11018C>T (p.Ser3673Phe)

Gene: DNAH5 (dynein axonemal heavy chain 5; minus strand). Cytogenetic location: 5p15.2.
Variant type: single nucleotide variant.
Coding change: c.11018C>T on transcript NM_001369.3 (MANE Select); coding-DNA position 11018, C replaced by T.
Protein change: p.Ser3673Phe; replaces serine 3673 with phenylalanine.
Molecular consequence: missense variant.
Genome position (GRCh38, 1-based): chr5:13,752,144, G>A on the plus strand (C>T on the coding strand, the complement: DNAH5 is on the minus strand). VCF-style: chr5-13752144-G-A. GRCh37 (hg19) VCF-style: chr5-13752253-G-A.
Other names: short protein forms S3673F.
Identifiers: ClinVar variation 546373 (VCV000546373.2), dbSNP rs1554034235, ClinGen allele CA359189662.